The following is an entry in ClinVar:

ClinVar aggregate classification (germline): Uncertain significance (1 of 4 stars; one submission).

Submission:

GeneDx
Classification: Uncertain significance. Last evaluated: 2024-12-13. Review status: criteria provided, single submitter. Criteria: GeneDx Variant Classification Process June 2021. Collection method: clinical testing. Allele origin: germline. Affected: yes.
Comment: Not observed at significant frequency in large population cohorts (gnomAD); In silico analysis supports that this missense variant has a deleterious effect on protein structure/function; Has not been previously published as pathogenic or benign to our knowledge

NM_000142.5(FGFR3):c.1169T>C (p.Val390Ala)

Gene: FGFR3 (fibroblast growth factor receptor 3; plus strand). Cytogenetic location: 4p16.3.
Variant type: single nucleotide variant.
Coding change: c.1169T>C on transcript NM_000142.5 (MANE Select); coding-DNA position 1169, T replaced by C.
Protein change: p.Val390Ala; replaces valine 390 with alanine.
Molecular consequence: missense variant. On other transcripts: non-coding transcript variant (1), intron variant (1).
Genome position (GRCh38, 1-based): chr4:1,804,423, T>C. VCF-style: chr4-1804423-T-C. GRCh37 (hg19) VCF-style: chr4-1806150-T-C.
Other names: c.1175T>C, p.Val392Ala (NM_001163213.2); c.1169T>C, p.Val390Ala (NM_001354809.2, NM_001354810.2); c.931-401T>C (NM_022965.4); short protein forms V390A, V392A.
Identifiers: ClinVar variation 3903083 (VCV003903083.1).